The following is an entry in ClinVar:

NM_201384.3(PLEC):c.9824G>A (p.Arg3275His)

Gene: PLEC (plectin; minus strand). Cytogenetic location: 8q24.3.
Variant type: single nucleotide variant.
Coding change: c.9824G>A on transcript NM_201384.3 (MANE Select); coding-DNA position 9824, G replaced by A.
Protein change: p.Arg3275His; replaces arginine 3275 with histidine.
Molecular consequence: missense variant.
Genome position (GRCh38, 1-based): chr8:143,919,997, C>T on the plus strand (G>A on the coding strand, the complement: PLEC is on the minus strand). VCF-style: chr8-143919997-C-T. GRCh37 (hg19) VCF-style: chr8-144994165-C-T.
Other names: c.9905G>A, p.Arg3302His (NM_000445.5); c.9782G>A, p.Arg3261His (NM_201378.4); c.9758G>A, p.Arg3253His (NM_201379.3); c.10235G>A, p.Arg3412His (NM_201380.4); c.9728G>A, p.Arg3243His (NM_201381.3); c.9824G>A, p.Arg3275His (NM_201382.4); c.9836G>A, p.Arg3279His (NM_201383.3); short protein forms R3253H, R3279H, R3261H, R3243H, R3275H, R3302H, R3412H.
Identifiers: ClinVar variation 849985 (VCV000849985.7), dbSNP rs782481395, ClinGen allele CA4924843.

ClinVar aggregate classification (germline): Uncertain significance (1 of 4 stars; one submission).

Conditions:
Autosomal recessive limb-girdle muscular dystrophy type 2Q (LGMDR17). Also called: MUSCULAR DYSTROPHY, LIMB-GIRDLE, AUTOSOMAL RECESSIVE 17. Identifiers: Orphanet 254361, MedGen C3150989, MONDO:0013390, OMIM 613723.
Epidermolysis bullosa simplex 5B, with muscular dystrophy (EBS5B). Also called: Epidermolysis bullosa simplex with muscular dystrophy; EPIDERMOLYSIS BULLOSA SIMPLEX AND LIMB-GIRDLE MUSCULAR DYSTROPHY. Identifiers: Orphanet 257, MedGen C2931072, MONDO:0009181, OMIM 226670.
Epidermolysis bullosa simplex, Ogna type (EBS5A). Also called: Pidermolysis bullosa simplex 5A, Ogna type; EPIDERMOLYSIS BULLOSA SIMPLEX 5A, OGNA TYPE. Identifiers: Orphanet 79401, MedGen C0432317, MONDO:0007555, OMIM 131950.
Epidermolysis bullosa simplex 5C, with pyloric atresia (EBS5C). Also called: PLEC1-Related Epidermolysis Bullosa with Pyloric Atresia; Epidermolysis bullosa simplex with pyloric atresia; PLEC-Related Epidermolysis Bullosa with Pyloric Atresia. Identifiers: Orphanet 158684, MedGen C2677349, MONDO:0012807, OMIM 612138.
Epidermolysis bullosa simplex with nail dystrophy (EBS5D). Identifiers: MedGen C4225309, MONDO:0014661, OMIM 616487.

Allele frequency attached by ClinVar (database versions not stated): gnomAD 0.00002; gnomAD exomes 0.00002; ExAC 0.00003; TOPMed 0.00004.
gnomAD v4.1: 36 of 1,613,162 alleles (0.0022%); highest among the groups gnomAD compares: South Asian, 0.0055%; no homozygotes.

Submission:

Labcorp Genetics (formerly Invitae), Labcorp
Classification: Uncertain significance for Autosomal recessive limb-girdle muscular dystrophy type 2Q; Epidermolysis bullosa simplex, Ogna type; Epidermolysis bullosa simplex with nail dystrophy; Epidermolysis bullosa simplex 5C, with pyloric atresia; Epidermolysis bullosa simplex 5B, with muscular dystrophy. Last evaluated: 2025-12-01. Review status: criteria provided, single submitter. Criteria: Invitae Variant Classification Sherloc (09022015). Collection method: clinical testing. Allele origin: germline.
Comment: This sequence change replaces arginine, which is basic and polar, with histidine, which is basic and polar, at codon 3302 of the PLEC protein (p.Arg3302His). This variant is present in population databases (rs782481395, gnomAD 0.01%). This variant has not been reported in the literature in individuals affected with PLEC-related conditions. ClinVar contains an entry for this variant (Variation ID: 849985). An algorithm developed to predict the effect of missense changes on protein structure and function (PolyPhen-2) suggests that this variant is likely to be disruptive. In summary, the available evidence is currently insufficient to determine the role of this variant in disease. Therefore, it has been classified as a Variant of Uncertain Significance.